The following is an entry in ClinVar:

NC_000022.11:g.40345597G>A

Gene: ADSL (adenylosuccinate lyase; plus strand). Cytogenetic location: 22q13.1.
Variant type: single nucleotide variant.
Genome position: GRCh38 VCF-style: chr22-40345597-G-A. GRCh37 (hg19) VCF-style: chr22-40741601-G-A.
Identifiers: ClinVar variation 1524248 (VCV001524248.5), dbSNP rs1470349903, ClinGen allele CA753179539.

ClinVar aggregate classification (germline): Uncertain significance (1 of 4 stars; one submission).

Conditions:
Adenylosuccinate lyase deficiency (ADSLD). Also called: ADSL DEFICIENCY. Identifiers: Orphanet 46, MedGen C0268126, MONDO:0007068, OMIM 103050.

Allele frequency attached by ClinVar (database versions not stated): gnomAD 0.00001.

Submission:

Labcorp Genetics (formerly Invitae), Labcorp
Classification: Uncertain significance for Adenylosuccinate lyase deficiency. Last evaluated: 2025-03-31. Review status: criteria provided, single submitter. Criteria: Invitae Variant Classification Sherloc (09022015). Collection method: clinical testing. Allele origin: germline.
Comment: This variant occurs in a non-coding region of the ADSL gene. It does not change the encoded amino acid sequence of the ADSL protein. This variant is not present in population databases (gnomAD no frequency). This variant has not been reported in the literature in individuals affected with ADSL-related conditions. Experimental studies and prediction algorithms are not available or were not evaluated, and the functional significance of this variant is currently unknown. In summary, the available evidence is currently insufficient to determine the role of this variant in disease. Therefore, it has been classified as a Variant of Uncertain Significance.